The following is an entry in ClinVar:

ClinVar aggregate classification (germline): Pathogenic. Review status: criteria provided, multiple submitters, no conflicts (2 of 4 stars). 5 submissions from 5 submitters: Pathogenic (5). Last evaluated 2026-04-21.

Conditions:
Hereditary cancer-predisposing syndrome. Also called: Neoplastic Syndromes, Hereditary; Hereditary Cancer Syndrome; Tumor predisposition; Hereditary neoplastic syndrome. Identifiers: Orphanet 140162, MedGen C0027672, MeSH D009386, MONDO:0015356.
Lynch syndrome 4 (LYNCH4). Also called: Hereditary non-polyposis colorectal cancer, type 4; Colorectal cancer, hereditary nonpolyposis, type 4. Identifiers: Orphanet 144, MedGen C1838333, MONDO:0013699, OMIM 614337. Disease mechanism: loss of function.
Hereditary nonpolyposis colorectal neoplasms. Identifiers: MedGen C0009405, MeSH D003123.

Submissions (5):

Ambry Genetics
Classification: Pathogenic for Hereditary cancer-predisposing syndrome. Last evaluated: 2026-04-21. Review status: criteria provided, single submitter. Criteria: Ambry Variant Classification Scheme 2023. Collection method: clinical testing. Allele origin: germline.
Comment: The c.1576delG pathogenic mutation, located in coding exon 11 of the PMS2 gene, results from a deletion of one nucleotide at nucleotide position 1576, causing a translational frameshift with a predicted alternate stop codon (p.D526Tfs*69). This variant is considered to be rare based on population cohorts in the Genome Aggregation Database (gnomAD). This alteration is expected to result in loss of function by premature protein truncation or nonsense-mediated mRNA decay. As such, this alteration is interpreted as a disease-causing mutation.

Myriad Genetics, Inc.
Classification: Pathogenic for Lynch syndrome 4. Last evaluated: 2025-12-11. Review status: criteria provided, single submitter. Criteria: Myriad Autosomal Dominant, Autosomal Recessive and X-Linked Classification Criteria (2023). Collection method: clinical testing. Allele origin: unknown.
Comment: This variant is considered pathogenic. This variant creates a frameshift predicted to result in premature protein truncation.

Labcorp Genetics (formerly Invitae), Labcorp
Classification: Pathogenic for Hereditary nonpolyposis colorectal neoplasms. Last evaluated: 2024-04-16. Review status: criteria provided, single submitter. Criteria: Invitae Variant Classification Sherloc (09022015). Collection method: clinical testing. Allele origin: germline.
Comment: This sequence change creates a premature translational stop signal (p.Asp526Thrfs*69) in the PMS2 gene. It is expected to result in an absent or disrupted protein product. Loss-of-function variants in PMS2 are known to be pathogenic (PMID: 21376568, 24362816). This variant is not present in population databases (gnomAD no frequency). This variant has not been reported in the literature in individuals affected with PMS2-related conditions. ClinVar contains an entry for this variant (Variation ID: 216074). For these reasons, this variant has been classified as Pathogenic.

Color Diagnostics, LLC DBA Color Health
Classification: Pathogenic for Hereditary cancer-predisposing syndrome. Last evaluated: 2021-03-08. Review status: criteria provided, single submitter. Criteria: ACMG Guidelines, 2015. Collection method: clinical testing. Allele origin: germline.
Comment: This variant deletes 1 nucleotide in exon 11 of the PMS2 gene, creating a frameshift and premature translation stop signal. This variant is expected to result in an absent or non-functional protein product. To our knowledge, this variant has not been reported in individuals affected with hereditary cancer in the literature. This variant has not been identified in the general population by the Genome Aggregation Database (gnomAD). Loss of PMS2 function is a known mechanism of disease. Based on the available evidence, this variant is classified as Pathogenic.

GeneDx
Classification: Pathogenic. Last evaluated: 2020-02-13. Review status: criteria provided, single submitter. Criteria: GeneDx Variant Classification Process June 2021. Collection method: clinical testing. Allele origin: germline. Affected: yes.
Comment: Frameshift variant predicted to result in protein truncation or nonsense mediated decay in a gene for which loss-of-function is a known mechanism of disease; Not observed in large population cohorts (Lek 2016); Truncating variants in this gene are considered pathogenic by a well-established clinical consortium and/or database; Observed in individuals undergoing multi-gene panel testing due to a personal and/or family history of cancer (Roberts 2018); This variant is associated with the following publications: (PMID: 29345684)

Literature cited by the submitters: PubMed 21376568 (cited by Labcorp Genetics (formerly Invitae), Labcorp); PubMed 24362816 (cited by Labcorp Genetics (formerly Invitae), Labcorp).

NM_000535.7(PMS2):c.1576del (p.Asp526fs)

Gene: PMS2 (PMS1 homolog 2, mismatch repair system component; minus strand). Cytogenetic location: 7p22.1.
Variant type: Deletion.
Coding change: c.1576del on transcript NM_000535.7 (MANE Select); coding-DNA position 1576, one base deleted (G; older notation c.1576delG).
Protein change: p.Asp526fs; shifts the reading frame from aspartic acid 526.
Molecular consequence: frameshift variant. On other transcripts: non-coding transcript variant (1).
Genome position (GRCh38, 1-based): chr7:5,987,189, C deleted on the plus strand (G on the coding strand, the reverse complement: PMS2 is on the minus strand); the first of 4 consecutive C bases (chr7:5,987,189-5,987,192); deleting any one gives the same sequence. VCF-style (leftmost placement, unchanged base first): chr7-5987188-TC-T. GRCh37 (hg19) VCF-style: chr7-6026819-TC-T.
Other names: c.1420del, p.Asp474fs (NM_001322006.2); c.1258del, p.Asp420fs (NM_001322007.2, NM_001322008.2); c.1171del, p.Asp391fs (NM_001322009.2, NM_001322003.2, NM_001322004.2 and 1 more transcripts); c.1015del, p.Asp339fs (NM_001322010.2); c.643del, p.Asp215fs (NM_001322011.2, NM_001322012.2); c.1003del, p.Asp335fs (NM_001322013.2); c.1576del, p.Asp526fs (NM_001322014.2); c.1267del, p.Asp423fs (NM_001322015.2); and 1 more; short protein forms D335fs, D339fs, D420fs, D474fs, D526fs, D423fs, D215fs, D391fs.
Identifiers: ClinVar variation 216074 (VCV000216074.19), dbSNP rs863224497, ClinGen allele CA338981.
Genomic context (GRCh38, chr7:5,987,188, plus strand): 5'-AAAGAGTCGTCAGTTTTAGGCGCTTTCTCCTGAGAGTCCACATGTTCCTGCGAGCCCCTG[TC>T]CCCTGGGGAGCTGGCCGCATACTCGCTGCTGCAGTGACTGCCCGTGTCTGGGATGCTGAA-3'